The following is an entry in ClinVar:

ClinVar aggregate classification (germline): Uncertain significance (1 of 4 stars; one submission).

Conditions:
Hereditary cancer-predisposing syndrome. Also called: Hereditary Cancer Syndrome; Neoplastic Syndromes, Hereditary; Tumor predisposition; Hereditary neoplastic syndrome. Identifiers: Orphanet 140162, MedGen C0027672, MeSH D009386, MONDO:0015356.

Allele frequency attached by ClinVar (database versions not stated): gnomAD exomes below 0.00001.
gnomAD v4.1: 1 of 1,610,314 alleles (0.000062%); highest among the groups gnomAD compares: Admixed American, 0.0017%; no homozygotes.

Submission:

Ambry Genetics
Classification: Uncertain significance for Hereditary cancer-predisposing syndrome. Last evaluated: 2023-12-14. Review status: criteria provided, single submitter. Criteria: Ambry Variant Classification Scheme 2023. Collection method: clinical testing. Allele origin: germline.
Comment: The p.F177V variant (also known as c.529T>G), located in coding exon 2 of the BLM gene, results from a T to G substitution at nucleotide position 529. The phenylalanine at codon 177 is replaced by valine, an amino acid with highly similar properties. This amino acid position is not well conserved in available vertebrate species. In addition, this alteration is predicted to be tolerated by in silico analysis. Since supporting evidence is limited at this time, the clinical significance of this alteration remains unclear.

NM_000057.4(BLM):c.529T>G (p.Phe177Val)

Gene: BLM (BLM RecQ like helicase; plus strand). Cytogenetic location: 15q26.1.
Variant type: single nucleotide variant.
Coding change: c.529T>G on transcript NM_000057.4 (MANE Select); coding-DNA position 529, T replaced by G.
Protein change: p.Phe177Val; replaces phenylalanine 177 with valine.
Molecular consequence: missense variant. On other transcripts: 5 prime UTR variant (1).
Genome position (GRCh38, 1-based): chr15:90,749,797, T>G. VCF-style: chr15-90749797-T-G. GRCh37 (hg19) VCF-style: chr15-91293027-T-G.
Other names: c.529T>G, p.Phe177Val (NM_001287246.2, NM_001287247.2); c.-763T>G (NM_001287248.2); short protein forms F177V.
Identifiers: ClinVar variation 1746680 (VCV001746680.2), dbSNP rs1369548679, ClinGen allele CA393840987.